The following is an entry in ClinVar:

ClinVar aggregate classification (germline): Uncertain significance (1 of 4 stars; one submission).

Allele frequency attached by ClinVar (database versions not stated): ExAC 0.00002; gnomAD 0.00002; gnomAD exomes 0.00002; TOPMed 0.00002; ESP Exome Variant Server 0.00008.

Submission:

Ambry Genetics
Classification: Uncertain significance. Last evaluated: 2024-10-05. Review status: criteria provided, single submitter. Criteria: Ambry Variant Classification Scheme 2023. Collection method: clinical testing. Allele origin: germline.
Comment: The p.Y224S variant (also known as c.671A>C), located in coding exon 3 of the ALPK2 gene, results from an A to C substitution at nucleotide position 671. The tyrosine at codon 224 is replaced by serine, an amino acid with dissimilar properties. This amino acid position is conserved. In addition, this alteration is predicted to be tolerated by in silico analysis. Since supporting evidence is limited at this time, the clinical significance of this alteration remains unclear.

NM_052947.4(ALPK2):c.671A>C (p.Tyr224Ser)

Gene: ALPK2 (alpha kinase 2; minus strand). Cytogenetic location: 18q21.31.
Variant type: single nucleotide variant.
Coding change: c.671A>C on transcript NM_052947.4 (MANE Select); coding-DNA position 671, A replaced by C.
Protein change: p.Tyr224Ser; replaces tyrosine 224 with serine.
Molecular consequence: missense variant.
Genome position (GRCh38, 1-based): chr18:58,580,105, T>G on the plus strand (A>C on the coding strand, the complement: ALPK2 is on the minus strand). VCF-style: chr18-58580105-T-G. GRCh37 (hg19) VCF-style: chr18-56247337-T-G.
Other names: short protein forms Y224S.
Identifiers: ClinVar variation 1755076 (VCV001755076.3), dbSNP rs372964586, ClinGen allele CA8977406.